The following is an entry in ClinVar:

ClinVar aggregate classification (germline): Uncertain significance. Review status: criteria provided, multiple submitters, no conflicts (2 of 4 stars). 2 submissions from 2 submitters: Uncertain significance (2). Last evaluated 2026-09-23.

Conditions:
Myeloproliferative neoplasm. Identifiers: Orphanet 98274, MedGen C1292778, MONDO:0020076.

Allele frequency attached by ClinVar (database versions not stated): gnomAD exomes below 0.00001.
gnomAD v4.1: 1 of 1,612,746 alleles (0.000062%); highest among the groups gnomAD compares: Non-Finnish European, 0.000085%; no homozygotes.

Submissions (2):

Dept of Medical Biology, Uskudar University
Classification: Uncertain significance for Myeloproliferative neoplasm. Last evaluated: 2026-09-23. Review status: criteria provided, single submitter. Criteria: Dept of Medical Biology Variant Classification. Collection method: research. Allele origin: unknown. Affected: yes. Observed: 1 variant allele.
Comment: PM2_supporting: rare in gnomAD v4.1 (one allele; 6.8e-07). In silico predictions are discordant (SIFT 0.06 tolerated; PolyPhen-2 0.724 possibly damaging), so neither PP3 nor BP4 was applied. Classified as uncertain significance under the ACMG/AMP 2015 guidelines (PMID:25741868). Detected in a retrospective series of 256 BCR::ABL1-negative and JAK2 V617F-negative patients referred for molecular investigation of a suspected myeloproliferative neoplasm (May 2007 to January 2015) and re-interpreted under the ACMG/AMP 2015 criteria.

Labcorp Genetics (formerly Invitae), Labcorp
Classification: Uncertain significance. Last evaluated: 2022-12-13. Review status: criteria provided, single submitter. Criteria: Invitae Variant Classification Sherloc (09022015). Collection method: clinical testing. Allele origin: germline.
Comment: This sequence change replaces proline, which is neutral and non-polar, with arginine, which is basic and polar, at codon 675 of the ASXL1 protein (p.Pro675Arg). This variant is not present in population databases (gnomAD no frequency). This variant has not been reported in the literature in individuals affected with ASXL1-related conditions. Algorithms developed to predict the effect of missense changes on protein structure and function are either unavailable or do not agree on the potential impact of this missense change (SIFT: "Tolerated"; PolyPhen-2: "Possibly Damaging"; Align-GVGD: "Class C0"). In summary, the available evidence is currently insufficient to determine the role of this variant in disease. Therefore, it has been classified as a Variant of Uncertain Significance.

NM_015338.6(ASXL1):c.2024C>G (p.Pro675Arg)

Gene: ASXL1 (ASXL transcriptional regulator 1; plus strand). Cytogenetic location: 20q11.21.
Variant type: single nucleotide variant.
Coding change: c.2024C>G on transcript NM_015338.6 (MANE Select); coding-DNA position 2024, C replaced by G.
Protein change: p.Pro675Arg; replaces proline 675 with arginine.
Molecular consequence: missense variant.
Genome position (GRCh38, 1-based): chr20:32,434,736, C>G. VCF-style: chr20-32434736-C-G. GRCh37 (hg19) VCF-style: chr20-31022539-C-G.
Other names: c.1841C>G, p.Pro614Arg (NM_001363734.1); short protein forms P614R, P675R.
Identifiers: ClinVar variation 2972875 (VCV002972875.4), dbSNP rs2145361034, ClinGen allele CA408558803.